The following is an entry in ClinVar:

NM_020134.4(DPYSL5):c.1388C>T (p.Pro463Leu)

Gene: DPYSL5 (dihydropyrimidinase like 5; plus strand). Cytogenetic location: 2p23.3.
Variant type: single nucleotide variant.
Coding change: c.1388C>T on transcript NM_020134.4 (MANE Select); coding-DNA position 1388, C replaced by T.
Protein change: p.Pro463Leu; replaces proline 463 with leucine.
Molecular consequence: missense variant.
Genome position (GRCh38, 1-based): chr2:26,942,698, C>T. VCF-style: chr2-26942698-C-T. GRCh37 (hg19) VCF-style: chr2-27165566-C-T.
Other names: c.1388C>T, p.Pro463Leu (NM_001253723.2, NM_001253724.2); short protein forms P463L.
Identifiers: ClinVar variation 2662908 (VCV002662908.1), dbSNP rs1355787627, ClinGen allele CA346142872.

ClinVar aggregate classification (germline): Uncertain significance (1 of 4 stars; one submission).

Submission:

GeneDx
Classification: Uncertain significance. Last evaluated: 2023-05-02. Review status: criteria provided, single submitter. Criteria: GeneDx Variant Classification Process June 2021. Collection method: clinical testing. Allele origin: germline. Affected: yes.
Comment: Not observed at significant frequency in large population cohorts (gnomAD); In silico analysis supports that this missense variant has a deleterious effect on protein structure/function; Has not been previously published as pathogenic or benign to our knowledge